The following is an entry in ClinVar:

ClinVar aggregate classification (germline): Uncertain significance (1 of 4 stars; one submission).

Submission:

Labcorp Genetics (formerly Invitae), Labcorp
Classification: Uncertain significance. Last evaluated: 2022-07-30. Review status: criteria provided, single submitter. Criteria: Invitae Variant Classification Sherloc (09022015). Collection method: clinical testing. Allele origin: germline.
Comment: Algorithms developed to predict the effect of missense changes on protein structure and function (SIFT, PolyPhen-2, Align-GVGD) all suggest that this variant is likely to be disruptive. This sequence change replaces arginine, which is basic and polar, with tryptophan, which is neutral and slightly polar, at codon 160 of the RP1 protein (p.Arg160Trp). This variant is not present in population databases (gnomAD no frequency). This variant has not been reported in the literature in individuals affected with RP1-related conditions. In summary, the available evidence is currently insufficient to determine the role of this variant in disease. Therefore, it has been classified as a Variant of Uncertain Significance.

NM_006269.2(RP1):c.478A>T (p.Arg160Trp)

Gene: RP1 (RP1 axonemal microtubule associated; plus strand). Cytogenetic location: 8q12.1.
Variant type: single nucleotide variant.
Coding change: c.478A>T on transcript NM_006269.2 (MANE Select); coding-DNA position 478, A replaced by T.
Protein change: p.Arg160Trp; replaces arginine 160 with tryptophan.
Molecular consequence: missense variant.
Genome position (GRCh38, 1-based): chr8:54,621,444, A>T. VCF-style: chr8-54621444-A-T. GRCh37 (hg19) VCF-style: chr8-55534004-A-T.
Other names: c.478A>T, p.Arg160Trp (NM_001375654.1); short protein forms R160W.
Identifiers: ClinVar variation 1714425 (VCV001714425.5), dbSNP rs759922849, ClinGen allele CA370986992.